The following is an entry in ClinVar:

NM_000455.5(STK11):c.*16+16G>C

Gene: STK11 (serine/threonine kinase 11; plus strand). Cytogenetic location: 19p13.3.
Variant type: single nucleotide variant.
Coding change: c.*16+16G>C on transcript NM_000455.5 (MANE Select); 16 bases into the intron after 16 bases downstream of the stop codon, G replaced by C.
Molecular consequence: intron variant.
Genome position (GRCh38, 1-based): chr19:1,226,679, G>C. VCF-style: chr19-1226679-G-C. GRCh37 (hg19) VCF-style: chr19-1226678-G-C.
Identifiers: ClinVar variation 378683 (VCV000378683.3), dbSNP rs762548463, ClinGen allele CA046423.
Genomic context (GRCh38, chr19:1,226,679, plus strand): 5'-GCCGGCTGTCGGCCTGCAAGCAGCAGTGAGGCTGGCCGCCTGCAGGTGGGGCGCGGCGGG[G>C]CCCGGGTGGGGCATGTGGGGACAACGCCTGGATGCCACAGCCAGCCGTGAGCATAGCCCG-3'

ClinVar aggregate classification (germline): Likely benign. Review status: criteria provided, multiple submitters, no conflicts (2 of 4 stars). 2 submissions from 2 submitters: Likely benign (2). Last evaluated 2025-03-04.

Allele frequency attached by ClinVar (database versions not stated): ExAC below 0.00001; gnomAD 0.00002 and 0.00003; TOPMed 0.00009; 1000 Genomes Project 30x 0.00016; gnomAD exomes 0.00030.
gnomAD v4.1: 55 of 1,479,868 alleles (0.0037%); highest among the groups gnomAD compares: East Asian, 0.13%; no homozygotes.

Submissions (2):

Center for Genomic Medicine, Rigshospitalet, Copenhagen University Hospital
Classification: Likely benign. Last evaluated: 2025-03-04. Review status: criteria provided, single submitter. Criteria: ACMG Guidelines, 2015. Collection method: clinical testing. Allele origin: germline.

GeneDx
Classification: Likely benign. Last evaluated: 2017-09-08. Review status: criteria provided, single submitter. Criteria: GeneDx Variant Classification (06012015). Collection method: clinical testing. Allele origin: germline. Affected: yes.
Comment: This variant is considered likely benign or benign based on one or more of the following criteria: it is a conservative change, it occurs at a poorly conserved position in the protein, it is predicted to be benign by multiple in silico algorithms, and/or has population frequency not consistent with disease.